The following is an entry in ClinVar:

ClinVar aggregate classification (germline): Conflicting classifications of pathogenicity. Review status: criteria provided, conflicting classifications (1 of 4 stars). 2 submissions from 2 submitters: Likely pathogenic (1); Uncertain significance (1). Last evaluated 2025-06-16.

Submissions (2):

GeneDx
Classification: Likely pathogenic. Last evaluated: 2025-06-16. Review status: criteria provided, single submitter. Criteria: GeneDx Variant Classification Process June 2021. Collection method: clinical testing. Allele origin: germline. Affected: yes.
Comment: Frameshift variant predicted to result in protein truncation, as the last 32 amino acids are replaced with 2 different amino acids, and another loss-of-function variant affecting the last exon has been reported in the published literature (PMID: 29618761); This variant is associated with the following publications: (PMID: 30912852)

Labcorp Genetics (formerly Invitae), Labcorp
Classification: Uncertain significance. Last evaluated: 2018-01-11. Review status: criteria provided, single submitter. Criteria: Invitae Variant Classification Sherloc (09022015). Collection method: clinical testing. Allele origin: germline.
Comment: This variant has not been reported in the literature in individuals with C19orf70-related disease. The frequency data for this variant in the population databases is considered unreliable, as metrics indicate poor data quality at this position in the ExAC database. In summary, the available evidence is currently insufficient to determine the role of this variant in disease. Therefore, it has been classified as a Variant of Uncertain Significance. Experimental studies and prediction algorithms are not available for this variant, and the functional significance of the deleted amino acids is currently unknown. This sequence change results in a premature translational stop signal in the C19orf70 gene (p.Gly87Alafs*3). While this is not anticipated to result in nonsense mediated decay, it is expected to disrupt the last 32 amino acids of the C19orf70 protein. The C19orf70 gene has multiple transcripts. The c.260delG (p.Gly87Alafs*3) variant occurs in alternate transcript NM_205767.2, which corresponds to c.326delG (p.Gly109Alafs*3) in NM_001308240.1, the primary transcript listed in the Methods.

NM_205767.2(MICOS13):c.260del

Gene: MICOS13 (mitochondrial contact site and cristae organizing system subunit 13; minus strand). Cytogenetic location: 19p13.3.
Variant type: Deletion.
Coding change: c.260del on transcript NM_205767.2; coding-DNA position 260, one base deleted (G; older notation c.260delG).
Genome position (GRCh38, 1-based): chr19:5,678,648, C deleted on the plus strand (G on the coding strand, the reverse complement: MICOS13 is on the minus strand); the first of 2 consecutive C bases (chr19:5,678,648-5,678,649); deleting either gives the same sequence. VCF-style (leftmost placement, unchanged base first): chr19-5678647-GC-G. GRCh37 (hg19) VCF-style: chr19-5678658-GC-G.
Identifiers: ClinVar variation 1007450 (VCV001007450.9), dbSNP rs759580358, ClinGen allele CA9113215.